The following is an entry in ClinVar:

ClinVar aggregate classification (germline): Conflicting classifications of pathogenicity. Review status: criteria provided, conflicting classifications (1 of 4 stars). 5 submissions from 5 submitters: Likely pathogenic (1); Uncertain significance (4). Last evaluated 2026-08-18.

Conditions:
Inborn genetic diseases. Identifiers: MedGen C0950123, MeSH D030342.
Progressive sclerosing poliodystrophy (MTDPS4A). Also called: ALPERS DIFFUSE DEGENERATION OF CEREBRAL GRAY MATTER WITH HEPATIC CIRRHOSIS; Alpers-Huttenlocher Syndrome; Alpers Syndrome; Mitochondrial DNA Depletion Syndrome 4A; ALPERS PROGRESSIVE INFANTILE POLIODYSTROPHY; Alpers-Huttenlocher Syndrome (AHS). Identifiers: Orphanet 726, MedGen C0205710, MONDO:0008758, OMIM 203700.

Allele frequency attached by ClinVar (database versions not stated): gnomAD exomes 0.00002; ExAC 0.00003; TOPMed 0.00003; gnomAD 0.00001.

Submissions (5):

GeneDx
Classification: Uncertain significance. Last evaluated: 2026-08-18. Review status: criteria provided, single submitter. Criteria: GeneDx Variant Classification Process June 2021. Collection method: clinical testing. Allele origin: germline.
Comment: Reported in an individual with developmental delay, hypotonia, failure to thrive, and complex IV and V abnormalities noted on muscle biopsy; inherited from a parent for whom clinical information was not provided (PMID: 30831263); Not observed at significant frequency in large population cohorts (gnomAD); In silico analysis supports that this missense variant has a deleterious effect on protein structure/function; This variant is associated with the following publications: (PMID: 31589614, 32161153, 38465286, 36983435, 30831263, 41822038)

Labcorp Genetics (formerly Invitae), Labcorp
Classification: Uncertain significance for Progressive sclerosing poliodystrophy. Last evaluated: 2025-12-21. Review status: criteria provided, single submitter. Criteria: Invitae Variant Classification Sherloc (09022015). Collection method: clinical testing. Allele origin: germline.
Comment: This sequence change replaces threonine, which is neutral and polar, with isoleucine, which is neutral and non-polar, at codon 858 of the POLG protein (p.Thr858Ile). This variant is present in population databases (rs759128787, gnomAD 0.005%). This missense change has been observed in individual(s) with clinical features of POLG-related conditions (PMID: 30831263, 32161153, 38465286). ClinVar contains an entry for this variant (Variation ID: 619421). Invitae Evidence Modeling of protein sequence and biophysical properties (such as structural, functional, and spatial information, amino acid conservation, physicochemical variation, residue mobility, and thermodynamic stability) indicates that this missense variant is expected to disrupt POLG protein function with a positive predictive value of 95%. In summary, the available evidence is currently insufficient to determine the role of this variant in disease. Therefore, it has been classified as a Variant of Uncertain Significance.

Women's Health and Genetics/Laboratory Corporation of America, LabCorp
Classification: Uncertain significance. Last evaluated: 2024-08-16. Review status: criteria provided, single submitter. Criteria: LabCorp Variant Classification Summary - May 2015. Collection method: clinical testing. Allele origin: germline.
Comment: Variant summary: POLG c.2573C>T (p.Thr858Ile) results in a non-conservative amino acid change located in the DNA polymerase gamma, palm domain (IPR047580) of the encoded protein sequence. Five of five in-silico tools predict a damaging effect of the variant on protein function. The variant allele was found at a frequency of 2.4e-05 in 251380 control chromosomes. The available data on variant occurrences in the general population are insufficient to allow any conclusion about variant significance. c.2573C>T has been reported in the literature in individuals affected with Mitochondrial DNA Depletion Syndrome - POLG Related (Nogueira_2019). These report(s) do not provide unequivocal conclusions about association of the variant with Mitochondrial DNA Depletion Syndrome - POLG Related. To our knowledge, no experimental evidence demonstrating an impact on protein function has been reported. The following publication have been ascertained in the context of this evaluation (PMID: 30831263). ClinVar contains an entry for this variant (Variation ID: 619421). Based on the evidence outlined above, the variant was classified as uncertain significance.

Ambry Genetics
Classification: Uncertain significance for Inborn genetic diseases. Last evaluated: 2021-09-07. Review status: criteria provided, single submitter. Criteria: Ambry Variant Classification Scheme 2023. Collection method: clinical testing. Allele origin: germline.

Wong Mito Lab, Molecular and Human Genetics, Baylor College of Medicine
Classification: Likely pathogenic for Progressive sclerosing poliodystrophy. Last evaluated: 2018-10-01. Review status: criteria provided, single submitter. Criteria: ACMG Guidelines, 2015. Collection method: clinical testing. Allele origin: germline.
Comment: The NM_002693.2:c.2573C>T (NP_002684.1:p.Thr858Ile) [GRCH38: NC_000015.10:g.89321761G>A] variant in POLG gene is interpretated to be a Likely Pathogenic based on ACMG guidelines (PMID: 25741868). This variant meets the following evidence codes reported in the ACMG-guideline. PM1:This variant is in mutational hot spot or a well-studied functional domain without benign variation. PM2:This variant is absent in key population databases. PP1:This variant is co-segregated with Mitochondrial DNA depletion syndrome 4A (Alpers type) in multiple affected family members. PP2:This is a missense variant in POLG with a low rate of benign and high rate of pathogenic missense variations. PP3:Computational evidence/predictors indicate the variant has deleterious effect on POLG structure, function, or protein-protein interaction. PP4:Patient's phenotype or family history is highly specific for POLG. Based on the evidence criteria codes applied, the variant is suggested to be Likely Pathogenic.

Literature cited by the submitters: PubMed 30831263 (cited by Labcorp Genetics (formerly Invitae), Labcorp and Women's Health and Genetics/Laboratory Corporation of America, LabCorp); PubMed 32161153 (cited by Labcorp Genetics (formerly Invitae), Labcorp); PubMed 38465286 (cited by Labcorp Genetics (formerly Invitae), Labcorp).

NM_002693.3(POLG):c.2573C>T (p.Thr858Ile)

Gene: POLG (DNA polymerase gamma, catalytic subunit; minus strand). Cytogenetic location: 15q26.1.
Variant type: single nucleotide variant.
Coding change: c.2573C>T on transcript NM_002693.3 (MANE Select); coding-DNA position 2573, C replaced by T.
Protein change: p.Thr858Ile; replaces threonine 858 with isoleucine.
Molecular consequence: missense variant.
Genome position (GRCh38, 1-based): chr15:89,321,761, G>A on the plus strand (C>T on the coding strand, the complement: POLG is on the minus strand). VCF-style: chr15-89321761-G-A. GRCh37 (hg19) VCF-style: chr15-89864992-G-A.
Other names: c.2573C>T, p.Thr858Ile (NM_001126131.2); short protein forms T858I.
Identifiers: ClinVar variation 619421 (VCV000619421.19), dbSNP rs759128787, ClinGen allele CA7724424.